The following is an entry in ClinVar:

ClinVar aggregate classification (germline): Uncertain significance (1 of 4 stars; one submission).

Conditions:
Danon disease. Also called: ANTOPOL DISEASE; PSEUDOGLYCOGENOSIS II; GSD IIb; LYSOSOMAL GLYCOGEN STORAGE DISEASE WITHOUT ACID MALTASE DEFICIENCY; Glycogen Storage Disease Type IIb. Identifiers: Orphanet 34587, MedGen C0878677, MONDO:0010281, OMIM 300257.

Submission:

Labcorp Genetics (formerly Invitae), Labcorp
Classification: Uncertain significance for Danon disease. Last evaluated: 2023-11-24. Review status: criteria provided, single submitter. Criteria: Invitae Variant Classification Sherloc (09022015). Collection method: clinical testing. Allele origin: germline.
Comment: This sequence change replaces aspartic acid, which is acidic and polar, with tyrosine, which is neutral and polar, at codon 128 of the LAMP2 protein (p.Asp128Tyr). This variant is not present in population databases (gnomAD no frequency). This variant has not been reported in the literature in individuals affected with LAMP2-related conditions. Advanced modeling of protein sequence and biophysical properties (such as structural, functional, and spatial information, amino acid conservation, physicochemical variation, residue mobility, and thermodynamic stability) performed at Invitae indicates that this missense variant is expected to disrupt LAMP2 protein function with a positive predictive value of 80%. In summary, the available evidence is currently insufficient to determine the role of this variant in disease. Therefore, it has been classified as a Variant of Uncertain Significance.

NM_002294.3(LAMP2):c.382G>T (p.Asp128Tyr)

Gene: LAMP2 (lysosome associated membrane protein 2; minus strand). Cytogenetic location: Xq24.
Variant type: single nucleotide variant.
Coding change: c.382G>T on transcript NM_002294.3 (MANE Select); coding-DNA position 382, G replaced by T.
Protein change: p.Asp128Tyr; replaces aspartic acid 128 with tyrosine.
Molecular consequence: missense variant.
Genome position (GRCh38, 1-based): chrX:120,455,372, C>A on the plus strand (G>T on the coding strand, the complement: LAMP2 is on the minus strand). VCF-style: chrX-120455372-C-A. GRCh37 (hg19) VCF-style: chrX-119589227-C-A.
Other names: c.382G>T, p.Asp128Tyr (NM_001122606.1, NM_013995.2); short protein forms D128Y.
Identifiers: ClinVar variation 2880816 (VCV002880816.3), dbSNP rs2520906874, ClinGen allele CA414402749.